The following is an entry in ClinVar:

ClinVar aggregate classification (germline): Pathogenic (1 of 4 stars; one submission).

Conditions:
Duchenne muscular dystrophy (DMD). Also called: MUSCULAR DYSTROPHY, PSEUDOHYPERTROPHIC PROGRESSIVE, DUCHENNE TYPE; Duchenne Muscular Dystrophy (DMD). Identifiers: Orphanet 98896, MedGen C0013264, MONDO:0010679, OMIM 310200.

Submission:

Labcorp Genetics (formerly Invitae), Labcorp
Classification: Pathogenic for Duchenne muscular dystrophy. Last evaluated: 2018-07-09. Review status: criteria provided, single submitter. Criteria: Invitae Variant Classification Sherloc (09022015). Collection method: clinical testing. Allele origin: germline.
Comment: This variant results in a copy number gain of the genomic region encompassing exons 2-9 of the DMD gene. While the exact position of this variant cannot be determined from this data, sub-genic copy number gains are generally in tandem (PMID: 25640679) and may result in an absent or disrupted protein product. This variant has been observed in individuals affected with DMD-related dystrophinopathies (PMID: 12111668, 19074751). Loss-of-function variants in DMD are known to be pathogenic (PMID: 16770791, 25007885). For these reasons, this variant has been classified as Pathogenic.

Literature cited by the submitters: PubMed 12111668; PubMed 19074751.

NC_000023.10:g.(?_32715967)_(33146302_?)dup

Gene: DMD (dystrophin; minus strand). Cytogenetic location: Xp21.1.
Variant type: Duplication.
Identifiers: ClinVar variation 662295 (VCV000662295.1).